The following is an entry in ClinVar:

ClinVar aggregate classification (germline): Conflicting classifications of pathogenicity. Review status: criteria provided, conflicting classifications (1 of 4 stars). 5 submissions from 5 submitters: Uncertain significance (1); Benign (2); Likely benign (2). Last evaluated 2025-09-15.

Conditions:
Inborn genetic diseases. Identifiers: MedGen C0950123, MeSH D030342.
Spinocerebellar ataxia type 42. Identifiers: Orphanet 458803, MedGen C4225205, MONDO:0014776, OMIM 616795.

Allele frequency attached by ClinVar (database versions not stated): ESP Exome Variant Server 0.00032; gnomAD exomes 0.00036 and 0.00060; TOPMed 0.00042; gnomAD 0.00043 and 0.00044; ExAC 0.00054.
gnomAD v4.1: 641 of 1,572,310 alleles (0.041%); highest among the groups gnomAD compares: Middle Eastern, 0.29%; no homozygotes.

Submissions (5):

Labcorp Genetics (formerly Invitae), Labcorp
Classification: Benign. Last evaluated: 2025-09-15. Review status: criteria provided, single submitter. Criteria: Invitae Variant Classification Sherloc (09022015). Collection method: clinical testing. Allele origin: germline.

Blueprint Genetics
Classification: Likely benign. Last evaluated: 2024-11-25. Review status: criteria provided, single submitter. Criteria: ACMG Guidelines, 2015. Collection method: clinical testing. Allele origin: germline.

CeGaT Center for Human Genetics Tuebingen
Classification: Benign. Last evaluated: 2023-06-01. Review status: criteria provided, single submitter. Criteria: CeGaT Center For Human Genetics Tuebingen Variant Classification Criteria Version 2. Collection method: clinical testing. Allele origin: germline. Affected: yes. Observed: 2 variant alleles.
Comment: CACNA1G: BS1, BS2

Ambry Genetics
Classification: Likely benign for Inborn genetic diseases. Last evaluated: 2021-07-20. Review status: criteria provided, single submitter. Criteria: Ambry Variant Classification Scheme 2023. Collection method: clinical testing. Allele origin: germline.

Genomic Research Center, Shahid Beheshti University of Medical Sciences
Classification: Uncertain significance for Spinocerebellar ataxia 42. Last evaluated: 2019-01-01. Review status: criteria provided, single submitter. Criteria: ACMG Guidelines, 2015. Collection method: clinical testing. Allele origin: inherited. Affected: yes. Observed: 1 variant allele.

NM_018896.5(CACNA1G):c.1931G>A (p.Cys644Tyr)

Gene: CACNA1G (calcium voltage-gated channel subunit alpha1 G; plus strand). Cytogenetic location: 17q21.33.
Variant type: single nucleotide variant.
Coding change: c.1931G>A on transcript NM_018896.5 (MANE Select); coding-DNA position 1931, G replaced by A.
Protein change: p.Cys644Tyr; replaces cysteine 644 with tyrosine.
Molecular consequence: missense variant. On other transcripts: non-coding transcript variant (5).
Genome position (GRCh38, 1-based): chr17:50,578,194, G>A. VCF-style: chr17-50578194-G-A. GRCh37 (hg19) VCF-style: chr17-48655555-G-A.
Other names: c.1931G>A, p.Cys644Tyr (NM_001256324.2, NM_001256325.2, NM_001256326.2 and 24 more transcripts); c.1931G>A (NM_018896.3); short protein forms C644Y.
Identifiers: ClinVar variation 634620 (VCV000634620.37), dbSNP rs200203979, ClinGen allele CA8652284.